The following is an entry in ClinVar:

ClinVar aggregate classification (germline): Uncertain significance (1 of 4 stars; one submission).

Conditions:
ATP8B1-related disorder. Also called: ATP8B1-related disorders; ATP8B1-related condition.

gnomAD v4.1: 3 of 1,578,928 alleles (0.00019%); highest among the groups gnomAD compares: East Asian, 0.0023%; no homozygotes.

Submission:

PreventionGenetics, part of Exact Sciences
Classification: Uncertain significance for ATP8B1-related condition. Last evaluated: 2025-05-09. Review status: criteria provided, single submitter. Criteria: ACMG Guidelines, 2015. Collection method: clinical testing. Allele origin: germline.
Comment: The ATP8B1 c.2126A>G variant is predicted to result in the amino acid substitution p.Lys709Arg. To our knowledge, this variant has not been reported in the literature or in a large population database (gnomAD), indicating this variant is rare. At this time, the clinical significance of this variant is uncertain due to the absence of conclusive functional and genetic evidence.

NM_001374385.1(ATP8B1):c.2126A>G (p.Lys709Arg)

Genes: ATP8B1 (ATPase phospholipid transporting 8B1; minus strand), ATP8B1-AS1 (ATP8B1 antisense RNA 1; plus strand). Cytogenetic location: 18q21.31.
Variant type: single nucleotide variant.
Coding change: c.2126A>G on transcript NM_001374385.1 (MANE Select); coding-DNA position 2126, A replaced by G.
Protein change: p.Lys709Arg; replaces lysine 709 with arginine.
Molecular consequence: missense variant. On other transcripts: non-coding transcript variant (1).
Genome position (GRCh38, 1-based): chr18:57,668,512, T>C on the plus strand (A>G on the coding strand, the complement: ATP8B1 is on the minus strand). VCF-style: chr18-57668512-T-C. GRCh37 (hg19) VCF-style: chr18-55335744-T-C.
Other names: c.1976A>G, p.Lys659Arg (NM_001374386.1); c.2126A>G, p.Lys709Arg (NM_005603.6); short protein forms K659R, K709R.
Identifiers: ClinVar variation 4986292 (VCV004986292.1).